The following is an entry in ClinVar:

ClinVar aggregate classification (germline): Likely pathogenic (1 of 4 stars; one submission).

Conditions:
Congenital hyperammonemia, type I. Also called: Carbamoyl phosphate synthetase I deficiency disease; Carbamoyl phosphate synthetase 1 deficiency; Hyperammonemia due to carbamoyl phosphate synthetase 1 deficiency; CPS 1 deficiency; Carbamyl phosphate synthetase (CPS) deficiency; Carbamoyl-phosphate synthase I deficiency. Identifiers: Orphanet 147, MedGen C4082171, MONDO:0009376, OMIM 237300.

Submission:

Myriad Genetics, Inc.
Classification: Likely pathogenic for Congenital hyperammonemia, type I. Last evaluated: 2020-02-14. Review status: criteria provided, single submitter. Criteria: Myriad Women's Health Autosomal Recessive and X-Linked Classification Criteria (2019). Collection method: clinical testing. Allele origin: unknown.
Comment: NM_001875.4(CPS1):c.3768T>A(C1256*) is expected to be pathogenic in the context of carbamoylphosphate synthetase I deficiency. This variant is predicted to lead to an abnormal or absent protein product due to the creation of a premature termination codon in CPS1, a gene where loss-of-function variants are known to be pathogenic. Please note: this variant was assessed in the context of healthy population screening.

NM_001875.5(CPS1):c.3768T>A (p.Cys1256Ter)

Gene: CPS1 (carbamoyl-phosphate synthase 1; plus strand). Cytogenetic location: 2q34.
Variant type: single nucleotide variant.
Coding change: c.3768T>A on transcript NM_001875.5 (MANE Select); coding-DNA position 3768, T replaced by A.
Protein change: p.Cys1256Ter; replaces cysteine 1256 with a stop codon.
Molecular consequence: nonsense. On other transcripts: non-coding transcript variant (2).
Genome position (GRCh38, 1-based): chr2:210,660,496, T>A. VCF-style: chr2-210660496-T-A. GRCh37 (hg19) VCF-style: chr2-211525220-T-A.
Other names: c.3768T>A, p.Cys1256Ter (NM_001122633.3, NM_001369257.1); c.3801T>A, p.Cys1267Ter (NM_001369256.1); short protein forms C1256*, C1267*.
Identifiers: ClinVar variation 983917 (VCV000983917.3), dbSNP rs1700881929, ClinGen allele CA350438427.